The following is an entry in ClinVar:

ClinVar aggregate classification (germline): Likely benign (1 of 4 stars; one submission).

Allele frequency attached by ClinVar (database versions not stated): gnomAD 0.00007; ExAC 0.00011.
gnomAD v4.1: 84 of 1,613,874 alleles (0.0052%); highest among the groups gnomAD compares: Middle Eastern, 0.082%; no homozygotes.

Submission:

CeGaT Center for Human Genetics Tuebingen
Classification: Likely benign. Last evaluated: 2023-11-01. Review status: criteria provided, single submitter. Criteria: CeGaT Center For Human Genetics Tuebingen Variant Classification Criteria Version 2. Collection method: clinical testing. Allele origin: germline. Affected: yes. Observed: 1 variant allele.
Comment: FAT3: BP4

NM_001367949.2(FAT3):c.8773G>A (p.Ala2925Thr)

Gene: FAT3 (FAT atypical cadherin 3; plus strand). Cytogenetic location: 11q14.3.
Variant type: single nucleotide variant.
Coding change: c.8773G>A on transcript NM_001367949.2 (MANE Select); coding-DNA position 8773, G replaced by A.
Protein change: p.Ala2925Thr; replaces alanine 2925 with threonine.
Molecular consequence: missense variant.
Genome position (GRCh38, 1-based): chr11:92,801,786, G>A. VCF-style: chr11-92801786-G-A. GRCh37 (hg19) VCF-style: chr11-92534952-G-A.
Other names: c.8773G>A, p.Ala2925Thr (NM_001008781.3); short protein forms A2925T.
Identifiers: ClinVar variation 2642276 (VCV002642276.24), dbSNP rs745373906, ClinGen allele CA6227698.